The following is an entry in ClinVar:

ClinVar aggregate classification (germline): Conflicting classifications of pathogenicity. Review status: criteria provided, conflicting classifications (1 of 4 stars). 7 submissions from 7 submitters: Uncertain significance (4); Likely benign (3). Last evaluated 2026-09-30.

Conditions:
Autosomal recessive distal spinal muscular atrophy 1. Also called: NEURONOPATHY, SEVERE INFANTILE AXONAL, WITH RESPIRATORY FAILURE; SEVERE INFANTILE AXONAL NEUROPATHY WITH RESPIRATORY FAILURE; SPINAL MUSCULAR ATROPHY, DIAPHRAGMATIC; Spinal muscular atrophy with respiratory distress 1; HMN VI; NEURONOPATHY, DISTAL HEREDITARY MOTOR, HARDING TYPE VI. Identifiers: Orphanet 98920, MedGen C1858517, MONDO:0011436, OMIM 604320.
IGHMBP2-related disorder. Also called: IGHMBP2-related condition; IGHMBP2-related disorders.
Inborn genetic diseases. Identifiers: MedGen C0950123, MeSH D030342.
Charcot-Marie-Tooth disease axonal type 2S. Also called: CHARCOT-MARIE-TOOTH NEUROPATHY, TYPE 2S; CHARCOT-MARIE-TOOTH DISEASE, AXONAL, AUTOSOMAL RECESSIVE, TYPE 2S. Identifiers: Orphanet 443073, MedGen C4015349, MONDO:0014511, OMIM 616155.

Allele frequency attached by ClinVar (database versions not stated): ESP Exome Variant Server 0.00092; 1000 Genomes Project 30x 0.00141; TOPMed 0.00092; 1000 Genomes Project 0.00140.
gnomAD v4.1: 253 of 1,614,124 alleles (0.016%); highest among the groups gnomAD compares: African/African-American, 0.25%; no homozygotes.

Submissions (7):

GeneDx
Classification: Uncertain significance. Last evaluated: 2026-09-30. Review status: criteria provided, single submitter. Criteria: GeneDx Variant Classification Process June 2021. Collection method: clinical testing. Allele origin: germline.
Comment: In silico analysis supports that this missense variant has a deleterious effect on protein structure/function; Has not been previously published as pathogenic or benign to our knowledge; This variant is associated with the following publications: (PMID: 25439726, 24388491, 22965130)

Labcorp Genetics (formerly Invitae), Labcorp
Classification: Likely benign for Autosomal recessive distal spinal muscular atrophy 1; Charcot-Marie-Tooth disease axonal type 2S. Last evaluated: 2025-12-03. Review status: criteria provided, single submitter. Criteria: Invitae Variant Classification Sherloc (09022015). Collection method: clinical testing. Allele origin: germline.

PreventionGenetics, part of Exact Sciences
Classification: Likely benign for IGHMBP2-related condition. Last evaluated: 2025-04-30. Review status: criteria provided, single submitter. Criteria: ACMG Guidelines, 2015. Collection method: clinical testing. Allele origin: germline.
Comment: This variant is classified as likely benign based on ACMG/AMP sequence variant interpretation guidelines (Richards et al. 2015 PMID: 25741868, with internal and published modifications).

Ambry Genetics
Classification: Likely benign for Inborn genetic diseases. Last evaluated: 2021-08-02. Review status: criteria provided, single submitter. Criteria: Ambry Variant Classification Scheme 2023. Collection method: clinical testing. Allele origin: germline.

Revvity Omics, Revvity
Classification: Uncertain significance. Last evaluated: 2019-06-06. Review status: criteria provided, single submitter. Criteria: ACMG Guidelines, 2015. Collection method: clinical testing. Allele origin: germline.

Illumina Laboratory Services, Illumina
Classification: Uncertain significance for Autosomal recessive distal spinal muscular atrophy 1. Last evaluated: 2018-01-12. Review status: criteria provided, single submitter. Criteria: ICSL Variant Classification Criteria 13 December 2019. Collection method: clinical testing. Allele origin: germline.

Athena Diagnostics
Classification: Uncertain significance. Last evaluated: 2017-04-28. Review status: criteria provided, single submitter. Criteria: Athena Diagnostics Criteria. Collection method: clinical testing. Allele origin: germline.

NM_002180.3(IGHMBP2):c.1669C>G (p.Pro557Ala)

Gene: IGHMBP2 (immunoglobulin mu DNA binding protein 2; plus strand). Cytogenetic location: 11q13.3.
Variant type: single nucleotide variant.
Coding change: c.1669C>G on transcript NM_002180.3 (MANE Select); coding-DNA position 1669, C replaced by G.
Protein change: p.Pro557Ala; replaces proline 557 with alanine.
Molecular consequence: missense variant.
Genome position (GRCh38, 1-based): chr11:68,935,335, C>G. VCF-style: chr11-68935335-C-G. GRCh37 (hg19) VCF-style: chr11-68702803-C-G.
Other names: short protein forms P557A.
Identifiers: ClinVar variation 447574 (VCV000447574.24), dbSNP rs7122089, ClinGen allele CA6153736.